The following is an entry in ClinVar:

ClinVar aggregate classification (germline): Benign/Likely benign. Review status: criteria provided, multiple submitters, no conflicts (2 of 4 stars). 2 submissions from 2 submitters: Benign (1); Likely benign (1). Last evaluated 2024-06-05.

Conditions:
Familial cancer of breast. Also called: Hereditary breast cancer; hereditary breast carcinoma; BREAST CANCER, FAMILIAL. Identifiers: Orphanet 227535, MedGen C0346153, MONDO:0016419, OMIM 114480. Disease mechanism: loss of function.
Ataxia-telangiectasia syndrome (AT). Also called: Ataxia telangiectasia (A-T); ATAXIA-TELANGIECTASIA, COMPLEMENTATION GROUP A; ATAXIA-TELANGIECTASIA, FRESNO VARIANT; Ataxia-telangiectasia; Ataxia-telangiectasia, complementation group E; LOUIS-BAR SYNDROME. Identifiers: Orphanet 100, MedGen C0004135, MONDO:0008840, OMIM 208900.

Submissions (2):

Myriad Genetics, Inc.
Classification: Benign for Familial cancer of breast. Last evaluated: 2024-06-05. Review status: criteria provided, single submitter. Criteria: Myriad Autosomal Dominant, Autosomal Recessive and X-Linked Classification Criteria (2023). Collection method: clinical testing. Allele origin: unknown.
Comment: This variant is considered benign. This variant is a silent/synonymous amino acid change and it is not expected to impact splicing.

Labcorp Genetics (formerly Invitae), Labcorp
Classification: Likely benign for Ataxia-telangiectasia syndrome. Last evaluated: 2022-08-03. Review status: criteria provided, single submitter. Criteria: Invitae Variant Classification Sherloc (09022015). Collection method: clinical testing. Allele origin: germline.

NM_000051.4(ATM):c.6354A>G (p.Glu2118=)

Genes: ATM (ATM serine/threonine kinase; plus strand), C11orf65 (chromosome 11 open reading frame 65; minus strand). Cytogenetic location: 11q22.3.
Variant type: single nucleotide variant.
Coding change: c.6354A>G on transcript NM_000051.4 (MANE Select); coding-DNA position 6354, A replaced by G.
Protein change: p.Glu2118=; no amino-acid change (glutamic acid 2118 retained).
Molecular consequence: synonymous variant. On other transcripts: intron variant (2).
Genome position (GRCh38, 1-based): chr11:108,319,960, A>G. VCF-style: chr11-108319960-A-G. GRCh37 (hg19) VCF-style: chr11-108190687-A-G.
Other names: c.6354A>G, p.Glu2118= (NM_001351834.2); c.641-10889T>C (NM_001330368.2); c.*39-10889T>C (NM_001351110.2).
Identifiers: ClinVar variation 1137876 (VCV001137876.10), dbSNP rs2136218685, ClinGen allele CA476676056.